The following is an entry in ClinVar:

NM_015213.4(DENND5A):c.1489G>C (p.Asp497His)

Gene: DENND5A (DENN domain containing 5A; minus strand). Cytogenetic location: 11p15.4.
Variant type: single nucleotide variant.
Coding change: c.1489G>C on transcript NM_015213.4 (MANE Select); coding-DNA position 1489, G replaced by C.
Protein change: p.Asp497His; replaces aspartic acid 497 with histidine.
Molecular consequence: missense variant. On other transcripts: non-coding transcript variant (1).
Genome position (GRCh38, 1-based): chr11:9,179,040, C>G on the plus strand (G>C on the coding strand, the complement: DENND5A is on the minus strand). VCF-style: chr11-9179040-C-G. GRCh37 (hg19) VCF-style: chr11-9200587-C-G.
Other names: c.1489G>C, p.Asp497His (NM_001243254.2, NM_001348748.1); c.1417G>C, p.Asp473His (NM_001348749.2); c.1201G>C, p.Asp401His (NM_001348750.2); short protein forms D401H, D473H, D497H.
Identifiers: ClinVar variation 1962681 (VCV001962681.2), dbSNP rs182954474, ClinGen allele CA5877575.

ClinVar aggregate classification (germline): Uncertain significance (1 of 4 stars; one submission).

Allele frequency attached by ClinVar (database versions not stated): gnomAD exomes below 0.00001; ExAC 0.00001; TOPMed 0.00002; gnomAD 0.00003; ESP Exome Variant Server 0.00008; 1000 Genomes Project 30x 0.00016; 1000 Genomes Project 0.00020.
gnomAD v4.1: 6 of 1,614,082 alleles (0.00037%); highest among the groups gnomAD compares: African/African-American, 0.0067%; no homozygotes.

Submission:

Labcorp Genetics (formerly Invitae), Labcorp
Classification: Uncertain significance. Last evaluated: 2022-08-21. Review status: criteria provided, single submitter. Criteria: Invitae Variant Classification Sherloc (09022015). Collection method: clinical testing. Allele origin: germline.
Comment: This sequence change replaces aspartic acid, which is acidic and polar, with histidine, which is basic and polar, at codon 497 of the DENND5A protein (p.Asp497His). This variant is present in population databases (rs182954474, gnomAD 0.02%). This variant has not been reported in the literature in individuals affected with DENND5A-related conditions. Algorithms developed to predict the effect of missense changes on protein structure and function are either unavailable or do not agree on the potential impact of this missense change (SIFT: "Deleterious"; PolyPhen-2: "Benign"; Align-GVGD: "Class C0"). In summary, the available evidence is currently insufficient to determine the role of this variant in disease. Therefore, it has been classified as a Variant of Uncertain Significance.